The following is an entry in ClinVar:

ClinVar aggregate classification (germline): Likely benign. Review status: criteria provided, multiple submitters, no conflicts (2 of 4 stars). 6 submissions from 5 submitters: Likely benign (5). 1 of the submissions does not count toward it. Last evaluated 2026-01-18.

Conditions:
Usher syndrome type 2A. Also called: USHER SYNDROME, TYPE IIA; RETINAL DISEASE IN USHER SYNDROME TYPE IIA, MODIFIER OF. Identifiers: Orphanet 231178, Orphanet 886, MedGen C1848634, MONDO:0010169, OMIM 276901.
Retinitis pigmentosa 39 (RP39). Identifiers: Orphanet 791, MedGen C3151138, MONDO:0013436, OMIM 613809.

Allele frequency attached by ClinVar (database versions not stated): TOPMed 0.00002; ExAC 0.00007.
gnomAD v4.1: 57 of 1,614,214 alleles (0.0035%); highest among the groups gnomAD compares: South Asian, 0.045%; 1 homozygote.

Submissions (6):

Labcorp Genetics (formerly Invitae), Labcorp
Classification: Likely benign. Last evaluated: 2026-01-18. Review status: criteria provided, single submitter. Criteria: Invitae Variant Classification Sherloc (09022015). Collection method: clinical testing. Allele origin: germline.

Genome-Nilou Lab
Classification: Likely benign for Retinitis pigmentosa 39. Last evaluated: 2023-11-04. Review status: criteria provided, single submitter. Criteria: ACMG Guidelines, 2015. Collection method: clinical testing. Allele origin: germline. Affected: no.

Genome-Nilou Lab
Classification: Likely benign for Usher syndrome type 2A. Last evaluated: 2023-11-04. Review status: criteria provided, single submitter. Criteria: ACMG Guidelines, 2015. Collection method: clinical testing. Allele origin: germline. Affected: no.

Blueprint Genetics
Classification: Likely benign. Last evaluated: 2022-02-01. Review status: criteria provided, single submitter. Criteria: ACMG Guidelines, 2015. Collection method: clinical testing. Allele origin: germline.

Laboratory for Molecular Medicine, Mass General Brigham Personalized Medicine
Classification: Likely benign. Last evaluated: 2011-08-31. Review status: criteria provided, single submitter. Criteria: LMM Criteria. Collection method: clinical testing. Allele origin: germline. Observed: 1 variant allele.
Comment: Ala5048Ala in exon 70 of USH2A: This variant is not expected to have clinical si gnificance because it does not alter an amino acid residue and is not located ne ar a splice junction.

Counsyl
Classification: Likely benign for Usher syndrome type 2A; Retinitis pigmentosa 39. Last evaluated: 2016-12-14. Review status: no assertion criteria provided. Collection method: clinical testing. Allele origin: unknown. Not counted in ClinVar's aggregate classification.

NM_206933.4(USH2A):c.15144G>A (p.Ala5048=)

Gene: USH2A (usherin; minus strand). Cytogenetic location: 1q41.
Variant type: single nucleotide variant.
Coding change: c.15144G>A on transcript NM_206933.4 (MANE Select); coding-DNA position 15144, G replaced by A.
Protein change: p.Ala5048=; no amino-acid change (alanine 5048 retained).
Molecular consequence: synonymous variant.
Genome position (GRCh38, 1-based): chr1:215,634,612, C>T on the plus strand (G>A on the coding strand, the complement: USH2A is on the minus strand). VCF-style: chr1-215634612-C-T. GRCh37 (hg19) VCF-style: chr1-215807954-C-T.
Identifiers: ClinVar variation 48457 (VCV000048457.17), dbSNP rs397517998, ClinGen allele CA143388.